The following is an entry in ClinVar:

NM_014839.5(PLPPR4):c.980T>A (p.Ile327Asn)

Genes: PLPPR4 (phospholipid phosphatase related 4; plus strand), LOC126805805 (CDK7 strongly-dependent group 2 enhancer GRCh37_chr1:99770787-99771986; plus strand). Cytogenetic location: 1p21.2.
Variant type: single nucleotide variant.
Coding change: c.980T>A on transcript NM_014839.5 (MANE Select); coding-DNA position 980, T replaced by A.
Protein change: p.Ile327Asn; replaces isoleucine 327 with asparagine.
Molecular consequence: missense variant.
Genome position (GRCh38, 1-based): chr1:99,305,842, T>A. VCF-style: chr1-99305842-T-A. GRCh37 (hg19) VCF-style: chr1-99771398-T-A.
Other names: c.806T>A, p.Ile269Asn (NM_001166252.2); short protein forms I269N, I327N.
Identifiers: ClinVar variation 3215436 (VCV003215436.2), dbSNP rs1660010485, ClinGen allele CA341388277.
Genomic context (GRCh38, chr1:99,305,842, plus strand): 5'-ACCGACTTTTATCTGCTAAAAATGGTAGCAGCAGTGATGGAATTGCTCATACAGAAGGCA[T>A]CCTCAACCGAAACCACAGAGATGCTAGCTCTCTGACAAATCTCAAAAGAGCAAATGCTGA-3'
Protein context (NP_055654.3, residues 317-337): SSDGIAHTEG[Ile327Asn]LNRNHRDASS

ClinVar aggregate classification (germline): Uncertain significance. Review status: criteria provided, multiple submitters, no conflicts (2 of 4 stars). 2 submissions from 2 submitters: Uncertain significance (2). Last evaluated 2025-12-14.

Allele frequency attached by ClinVar (database versions not stated): TOPMed below 0.00001.
gnomAD v4.1: 1 of 1,613,986 alleles (0.000062%); no homozygotes.

Submissions (2):

Labcorp Genetics (formerly Invitae), Labcorp
Classification: Uncertain significance. Last evaluated: 2025-12-14. Review status: criteria provided, single submitter. Criteria: Invitae Variant Classification Sherloc (09022015). Collection method: clinical testing. Allele origin: germline.
Comment: This sequence change replaces isoleucine, which is neutral and non-polar, with asparagine, which is neutral and polar, at codon 375 of the PLPPR4 protein (p.Ile375Asn). This variant is not present in population databases (gnomAD no frequency). This variant has not been reported in the literature in individuals affected with PLPPR4-related conditions. ClinVar contains an entry for this variant (Variation ID: 3215436). Experimental studies and prediction algorithms are not available or were not evaluated, and the functional significance of this variant is currently unknown. In summary, the available evidence is currently insufficient to determine the role of this variant in disease. Therefore, it has been classified as a Variant of Uncertain Significance.

Ambry Genetics
Classification: Uncertain significance. Last evaluated: 2023-12-09. Review status: criteria provided, single submitter. Criteria: Ambry Variant Classification Scheme 2023. Collection method: clinical testing. Allele origin: germline.